The following is an entry in ClinVar:

ClinVar aggregate classification (germline): Uncertain significance (1 of 4 stars; one submission).

gnomAD v4.1: 3 of 1,614,074 alleles (0.00019%); highest among the groups gnomAD compares: Non-Finnish European, 0.00025%; no homozygotes.

Submission:

GeneDx
Classification: Uncertain significance. Last evaluated: 2026-04-08. Review status: criteria provided, single submitter. Criteria: GeneDx Variant Classification Process June 2021. Collection method: clinical testing. Allele origin: germline.
Comment: Not observed at significant frequency in large population cohorts (gnomAD); In silico analysis supports that this missense variant has a deleterious effect on protein structure/function; Identified in a patient with hidradenitis suppurativa in published literature (PMID: 37769878); This variant is associated with the following publications: (PMID: 37769878)

NM_002661.5(PLCG2):c.2117C>T (p.Thr706Ile)

Gene: PLCG2 (phospholipase C gamma 2; plus strand). Cytogenetic location: 16q23.3.
Variant type: single nucleotide variant.
Coding change: c.2117C>T on transcript NM_002661.5 (MANE Select); coding-DNA position 2117, C replaced by T.
Protein change: p.Thr706Ile; replaces threonine 706 with isoleucine.
Molecular consequence: missense variant.
Genome position (GRCh38, 1-based): chr16:81,919,546, C>T. VCF-style: chr16-81919546-C-T. GRCh37 (hg19) VCF-style: chr16-81953151-C-T.
Other names: c.2117C>T, p.Thr706Ile (NM_001425749.1, NM_001425750.1, NM_001425751.1); short protein forms T706I.
Identifiers: ClinVar variation 5018175 (VCV005018175.1).